The following is an entry in ClinVar:

ClinVar aggregate classification (germline): Uncertain significance. Review status: criteria provided, multiple submitters, no conflicts (2 of 4 stars). 3 submissions from 3 submitters: Uncertain significance (3). Last evaluated 2025-09-17.

Conditions:
Inborn genetic diseases. Identifiers: MedGen C0950123, MeSH D030342.

Allele frequency attached by ClinVar (database versions not stated): gnomAD exomes 0.00003; gnomAD 0.00004; ExAC 0.00005; TOPMed 0.00005; ESP Exome Variant Server 0.00008; 1000 Genomes Project 30x 0.00016; 1000 Genomes Project 0.00020.
gnomAD v4.1: 48 of 1,613,826 alleles (0.003%); highest among the groups gnomAD compares: African/African-American, 0.0067%; no homozygotes.

Submissions (3):

Labcorp Genetics (formerly Invitae), Labcorp
Classification: Uncertain significance. Last evaluated: 2025-09-17. Review status: criteria provided, single submitter. Criteria: Invitae Variant Classification Sherloc (09022015). Collection method: clinical testing. Allele origin: germline.
Comment: This sequence change replaces isoleucine, which is neutral and non-polar, with threonine, which is neutral and polar, at codon 285 of the CASQ1 protein (p.Ile285Thr). This variant is present in population databases (rs190105823, gnomAD 0.007%). This variant has not been reported in the literature in individuals affected with CASQ1-related conditions. ClinVar contains an entry for this variant (Variation ID: 2175923). Invitae Evidence Modeling of protein sequence and biophysical properties (such as structural, functional, and spatial information, amino acid conservation, physicochemical variation, residue mobility, and thermodynamic stability) has been performed for this missense variant. However, the output from this modeling did not meet the statistical confidence thresholds required to predict the impact of this variant on CASQ1 protein function. In summary, the available evidence is currently insufficient to determine the role of this variant in disease. Therefore, it has been classified as a Variant of Uncertain Significance.

Ambry Genetics
Classification: Uncertain significance for Inborn genetic diseases. Last evaluated: 2025-05-21. Review status: criteria provided, single submitter. Criteria: Ambry Variant Classification Scheme 2023. Collection method: clinical testing. Allele origin: germline.

Blueprint Genetics
Classification: Uncertain significance. Last evaluated: 2024-11-21. Review status: criteria provided, single submitter. Criteria: ACMG Guidelines, 2015. Collection method: clinical testing. Allele origin: germline.

NM_001231.5(CASQ1):c.854T>C (p.Ile285Thr)

Gene: CASQ1 (calsequestrin 1; plus strand). Cytogenetic location: 1q23.2.
Variant type: single nucleotide variant.
Coding change: c.854T>C on transcript NM_001231.5 (MANE Select); coding-DNA position 854, T replaced by C.
Protein change: p.Ile285Thr; replaces isoleucine 285 with threonine.
Molecular consequence: missense variant.
Genome position (GRCh38, 1-based): chr1:160,198,702, T>C. VCF-style: chr1-160198702-T-C. GRCh37 (hg19) VCF-style: chr1-160168492-T-C.
Other names: c.854T>C (NM_001231.4); short protein forms I285T.
Identifiers: ClinVar variation 2175923 (VCV002175923.6), dbSNP rs190105823, ClinGen allele CA1196370.